The following is an entry in ClinVar:

ClinVar aggregate classification (germline): Uncertain significance (1 of 4 stars; one submission).

Conditions:
Recurrent skin infections. Identifiers: MedGen C1853193, HP:0001581.
Immunodeficiency. Identifiers: MedGen C0021051, MONDO:0021094, HP:0002721.

Allele frequency attached by ClinVar (database versions not stated): gnomAD 0.00001; TOPMed 0.00001.
gnomAD v4.1: 8 of 1,613,814 alleles (0.0005%); highest among the groups gnomAD compares: East Asian, 0.0067%; no homozygotes.

Submission:

Diagnostics Services (NGS), CSIR - Centre For Cellular And Molecular Biology
Classification: Uncertain significance for Recurrent skin infections; Immunodeficiency. Last evaluated: 2019-10-10. Review status: criteria provided, single submitter. Criteria: ACMG Guidelines, 2015. Collection method: clinical testing. Allele origin: unknown. Inheritance: Autosomal recessive inheritance. Affected: yes. Observed: 1 heterozygote.
Comment: The c.1694G>A variant is not present in publicly available databases like 1000 Genomes, Exome Variant Server (EVS), Exome Aggregation Consortium (ExAC) except Genome Aggregation Database (gnomAD) and dbSNP in heterozygous state at a very low minor allele frequency (<0.00001). However the variant is not present in our in-house exome database. The variant was also not reported to OMIM, ClinVar and Human Genome Mutation Database (HGMD) in any other affected individuals. In-silico pathogenicity prediction programs like SIFT, Polyphen2, Mutation Taster2, CADD etc. predicted this variant as likely disease causing. However there are no functional studies performed earlier. Due to lack of enough evidence and also considering the phenotype of the patient the variant has been classified as uncertain significance as per the ACMG guidelines.

NM_003331.5(TYK2):c.1694G>A (p.Arg565Gln)

Gene: TYK2 (tyrosine kinase 2; minus strand). Cytogenetic location: 19p13.2.
Variant type: single nucleotide variant.
Coding change: c.1694G>A on transcript NM_003331.5 (MANE Select); coding-DNA position 1694, G replaced by A.
Protein change: p.Arg565Gln; replaces arginine 565 with glutamine.
Molecular consequence: missense variant.
Genome position (GRCh38, 1-based): chr19:10,362,157, C>T on the plus strand (G>A on the coding strand, the complement: TYK2 is on the minus strand). VCF-style: chr19-10362157-C-T. GRCh37 (hg19) VCF-style: chr19-10472833-C-T.
Other names: NM_003331.5:exon12; short protein forms R565Q.
Identifiers: ClinVar variation 800726 (VCV000800726.5), dbSNP rs764267766, ClinGen allele CA305204507.